The following is an entry in ClinVar:

NM_001370259.2(MEN1):c.773_775dup (p.Gln258dup)

Gene: MEN1 (menin 1; minus strand). Cytogenetic location: 11q13.1.
Variant type: Duplication.
Coding change: c.773_775dup on transcript NM_001370259.2 (MANE Select); coding-DNA positions 773 to 775, 3 bases duplicated (AGC; older notation c.773_775dupAGC).
Protein change: p.Gln258dup; duplicates glutamine 258.
Molecular consequence: inframe insertion.
Genome position (GRCh38, 1-based): chr11:64,807,560-64,807,562, GCT duplicated on the plus strand (AGC on the coding strand, the reverse complement: MEN1 is on the minus strand); duplicating any 3 consecutive bases within chr11:64,807,560-64,807,564 gives the same sequence; the c. name uses the placement nearest the transcript's 3' end. VCF-style (leftmost placement, unchanged base first): chr11-64807559-A-AGCT. GRCh37 (hg19) VCF-style: chr11-64575031-A-AGCT.
Other names: c.773_775dupAGC (NM_130799.2); c.788_790dup, p.Gln263dup (NM_000244.4, NM_130800.3, NM_130801.3 and 3 more transcripts); c.773_775dup, p.Gln258dup (NM_001370251.2, NM_001370260.2, NM_001370261.2 and 1 more transcripts); c.668_670dup, p.Gln223dup (NM_001370262.2, NM_001370263.2).
Identifiers: ClinVar variation 372408 (VCV000372408.3), dbSNP rs1057517760, ClinGen allele CA16042754.

ClinVar aggregate classification (germline): Likely pathogenic (1 of 4 stars; one submission).

Submission:

GeneDx
Classification: Likely pathogenic. Last evaluated: 2016-11-08. Review status: criteria provided, single submitter. Criteria: GeneDx Variant Classification (06012015). Collection method: clinical testing. Allele origin: germline. Affected: yes.
Comment: The c.773_775dupAGC in-frame duplication in the MEN1 gene has not been reported previously as a pathogenic variant, nor as a benign variant, to our knowledge. This duplication of a single Glutamine residue occurs at a position that is conserved across species, and located within the region known for interaction with FANCD2 (Uniprot). Since in-frame duplications may or may not inhibit proper protein functioning, the clinical significance of this finding remains unclear at this time. Based on currently available evidence, c.773_775dupAGC is a strong candidate for a pathogenic variant. However, the possibility it is a rare benign variant cannot be excluded.